The following is an entry in ClinVar:

ClinVar aggregate classification (germline): Uncertain significance (1 of 4 stars; one submission).

Submission:

ISCA site 15
Classification: Uncertain significance. Last evaluated: 2011-08-12. Review status: criteria provided, single submitter. Criteria: Kaminsky et al. (Genet Med. 2011). Collection method: clinical testing. Allele origin: unknown. Affected: yes. Observed: 1 variant allele.
Comment: Copy number variation identified through the course of routine clinical cytogenomic testing in postnatal populations. Clinical assertions have been curated as described in Kaminsky et al. 2011.

GRCh38/hg38 1q22-23.1(chr1:156593261-156653428)x3

Genes: BCAN (brevican; plus strand), BCAN-AS1 (BCAN antisense RNA 1; minus strand), BCAN-AS2 (BCAN antisense RNA 2; minus strand), GPATCH4 (G-patch domain containing 4 (gene/pseudogene); minus strand), HAPLN2 (hyaluronan and proteoglycan link protein 2; plus strand) and 3 more. Cytogenetic location: 1q22-23.1.
Variant type: copy number gain.
Change: copy number 3 (three copies instead of two) of chr1:156,593,261-156,653,428 (60.2 kb, GRCh38 coordinates, 1-based), cytogenetic band 1q22-23.1.
Identifiers: ClinVar variation 57814 (VCV000057814.1).